The following is an entry in ClinVar:

NM_020911.2(PLXNA4):c.1896C>T (p.Val632=)

Gene: PLXNA4 (plexin A4; minus strand). Cytogenetic location: 7q32.3.
Variant type: single nucleotide variant.
Coding change: c.1896C>T on transcript NM_020911.2 (MANE Select); coding-DNA position 1896, C replaced by T.
Protein change: p.Val632=; no amino-acid change (valine 632 retained).
Molecular consequence: synonymous variant.
Genome position (GRCh38, 1-based): chr7:132,226,247, G>A on the plus strand (C>T on the coding strand, the complement: PLXNA4 is on the minus strand). VCF-style: chr7-132226247-G-A. GRCh37 (hg19) VCF-style: chr7-131911006-G-A.
Other names: c.1896C>T, p.Val632= (NM_001393897.1).
Identifiers: ClinVar variation 3352464 (VCV003352464.1).

ClinVar aggregate classification (germline): Likely benign (0 of 4 stars; one submission).

Conditions:
PLXNA4-related disorder. Also called: PLXNA4-related condition.

gnomAD v4.1: 102 of 1,613,328 alleles (0.0063%); highest among the groups gnomAD compares: South Asian, 0.049%; no homozygotes.

Submission:

PreventionGenetics, part of Exact Sciences
Classification: Likely benign for PLXNA4-related condition. Last evaluated: 2024-07-03. Review status: no assertion criteria provided. Collection method: clinical testing. Allele origin: germline.
Comment: This variant is classified as likely benign based on ACMG/AMP sequence variant interpretation guidelines (Richards et al. 2015 PMID: 25741868, with internal and published modifications).